The following is an entry in ClinVar:

ClinVar aggregate classification (germline): Likely pathogenic (1 of 4 stars; one submission).

Conditions:
Neuronal ceroid lipofuscinosis 2. Also called: TPP1-Related Neuronal Ceroid-Lipofuscinosis; JANSKY-BIELSCHOWSKY DISEASE NEURONAL CEROID LIPOFUSCINOSIS, LATE INFANTILE. Identifiers: Orphanet 168491, Orphanet 228349, Orphanet 79264, MedGen C1876161, MONDO:0008769, OMIM 204500.

Submission:

Myriad Genetics, Inc.
Classification: Likely pathogenic for Neuronal ceroid lipofuscinosis 2. Last evaluated: 2022-02-20. Review status: criteria provided, single submitter. Criteria: Myriad Women's Health Autosomal Recessive and X-Linked Classification Criteria (2021). Collection method: clinical testing. Allele origin: unknown.
Comment: NM_000391.3(TPP1):c.147delC(T50Pfs*4) is expected to be pathogenic in the context of TPP1-related neuronal ceroid lipofuscinosis. This variant is predicted to lead to an abnormal or absent protein product due to the creation of a premature termination codon in TPP1, a gene where loss-of-function variants are known to be pathogenic. Please note: this variant was assessed in the context of healthy population screening.

NM_000391.4(TPP1):c.147del (p.Thr50fs)

Gene: TPP1 (tripeptidyl peptidase 1; minus strand). Cytogenetic location: 11p15.4.
Variant type: Deletion.
Coding change: c.147del on transcript NM_000391.4 (MANE Select); coding-DNA position 147, one base deleted (C; older notation c.147delC).
Protein change: p.Thr50fs; shifts the reading frame from threonine 50.
Molecular consequence: frameshift variant.
Genome position (GRCh38, 1-based): chr11:6,618,858, G deleted on the plus strand (C on the coding strand, the reverse complement: TPP1 is on the minus strand). VCF-style (leftmost placement, unchanged base first): chr11-6618857-TG-T. GRCh37 (hg19) VCF-style: chr11-6640088-TG-T.
Other names: short protein forms T50fs.
Identifiers: ClinVar variation 1724577 (VCV001724577.2), dbSNP rs2493802055, ClinGen allele CA2580083985.
Genomic context (GRCh38, chr11:6,618,857, plus strand): 5'-CCGACACAGCCTGCACCAGCTCCGAGAGTCTTTCCACATTCTGCTGTCTCAGGGCAAAGG[TG>T]AGACTCAGCTCTTCCTCAGGGTCCGCACGGCCCAGGGACACCCAGCCTGGGGGCAGCCTG-3'